The following is an entry in ClinVar:

ClinVar aggregate classification (germline): Uncertain significance (1 of 4 stars; one submission).

Conditions:
Autosomal recessive polycystic kidney disease (ARPKD). Also called: AR polycystic kidney disease. Identifiers: Orphanet 731, Orphanet 8378, MedGen C0085548, MeSH D017044, MONDO:0009889.

Allele frequency attached by ClinVar (database versions not stated): TOPMed below 0.00001; ExAC 0.00001; gnomAD 0.00001.
gnomAD v4.1: 1 of 1,614,012 alleles (0.000062%); highest among the groups gnomAD compares: African/African-American, 0.0013%; no homozygotes.

Submission:

Labcorp Genetics (formerly Invitae), Labcorp
Classification: Uncertain significance for Autosomal recessive polycystic kidney disease. Last evaluated: 2022-02-24. Review status: criteria provided, single submitter. Criteria: Invitae Variant Classification Sherloc (09022015). Collection method: clinical testing. Allele origin: germline.
Comment: This variant has not been reported in the literature in individuals affected with PKHD1-related conditions. Advanced modeling of protein sequence and biophysical properties (such as structural, functional, and spatial information, amino acid conservation, physicochemical variation, residue mobility, and thermodynamic stability) performed at Invitae indicates that this missense variant is expected to disrupt PKHD1 protein function. In summary, the available evidence is currently insufficient to determine the role of this variant in disease. Therefore, it has been classified as a Variant of Uncertain Significance. This sequence change replaces glycine, which is neutral and non-polar, with valine, which is neutral and non-polar, at codon 1724 of the PKHD1 protein (p.Gly1724Val). This variant is present in population databases (rs764535254, gnomAD 0.007%).

NM_138694.4(PKHD1):c.5171G>T (p.Gly1724Val)

Genes: PKHD1 (PKHD1 ciliary IPT domain containing fibrocystin/polyductin; minus strand), LOC126859690 (MED14-independent group 3 enhancer GRCh37_chr6:51888848-51890047; plus strand). Cytogenetic location: 6p12.2.
Variant type: single nucleotide variant.
Coding change: c.5171G>T on transcript NM_138694.4 (MANE Select); coding-DNA position 5171, G replaced by T.
Protein change: p.Gly1724Val; replaces glycine 1724 with valine.
Molecular consequence: missense variant.
Genome position (GRCh38, 1-based): chr6:52,024,639, C>A on the plus strand (G>T on the coding strand, the complement: PKHD1 is on the minus strand). VCF-style: chr6-52024639-C-A. GRCh37 (hg19) VCF-style: chr6-51889437-C-A.
Other names: c.5171G>T, p.Gly1724Val (NM_170724.3); short protein forms G1724V.
Identifiers: ClinVar variation 2081212 (VCV002081212.4), dbSNP rs764535254, ClinGen allele CA3852597.